The following is an entry in ClinVar:

ClinVar aggregate classification (germline): Conflicting classifications of pathogenicity. Review status: criteria provided, conflicting classifications (1 of 4 stars). 2 submissions from 2 submitters: Pathogenic (1); Uncertain significance (1). Last evaluated 2024-07-31.

Conditions:
Osteogenesis imperfecta (OI). Identifiers: Orphanet 666, MedGen C0029434, MeSH D010013, MONDO:0019019.
Ehlers-Danlos syndrome, classic type, 1 (EDSCL1). Also called: EDS I; Ehlers-Danlos syndrome, type 1; EHLERS-DANLOS SYNDROME, GRAVIS TYPE; EHLERS-DANLOS SYNDROME, SEVERE CLASSIC TYPE; Ehlers-Danlos Syndrome, Classic Type, COL5A1-Related. Identifiers: MedGen C0268335, MONDO:0019567, OMIM 130000.
Osteogenesis imperfecta type I (OI1). Also called: Osteogenesis imperfecta type 1; Lobstein's Disease; OI, TYPE I; OSTEOGENESIS IMPERFECTA TARDA; OSTEOGENESIS IMPERFECTA WITH BLUE SCLERAE; Lobstein disease. Identifiers: Orphanet 216796, Orphanet 666, MedGen C0023931, MONDO:0008146, OMIM 166200. Disease mechanism: loss of function.

Submissions (2):

Labcorp Genetics (formerly Invitae), Labcorp
Classification: Pathogenic for Osteogenesis imperfecta type I; Ehlers-Danlos syndrome, classic type, 1. Last evaluated: 2024-07-31. Review status: criteria provided, single submitter. Criteria: Invitae Variant Classification Sherloc (09022015). Collection method: clinical testing. Allele origin: germline.
Comment: This sequence change replaces glycine, which is neutral and non-polar, with alanine, which is neutral and non-polar, at codon 289 of the COL1A2 protein (p.Gly289Ala). This variant is not present in population databases (gnomAD no frequency). This missense change has been observed in individual(s) with autosomal dominant osteogenesis imperfecta (PMID: 17078022). ClinVar contains an entry for this variant (Variation ID: 1702001). Advanced modeling of protein sequence and biophysical properties (such as structural, functional, and spatial information, amino acid conservation, physicochemical variation, residue mobility, and thermodynamic stability) performed at Invitae indicates that this missense variant is expected to disrupt COL1A2 protein function with a positive predictive value of 80%. This variant disrupts the triple helix domain of COL1A2. Glycine residues within the Gly-Xaa-Yaa repeats of the triple helix domain are required for the structure and stability of fibrillar collagens (PMID: 7695699, 8218237, 19344236). In COL1A2, variants affecting these glycine residues are significantly enriched in individuals with disease (PMID: 9016532, 17078022) compared to the general population (ExAC). This variant disrupts the p.Gly289 amino acid residue in COL1A2. Other variant(s) that disrupt this residue have been observed in individuals with COL1A2-related conditions (PMID: 17078022, 28810924), which suggests that this may be a clinically significant amino acid residue. For these reasons, this variant has been classified as Pathogenic.

Genome Diagnostics Laboratory, The Hospital for Sick Children
Classification: Uncertain significance for Osteogenesis imperfecta. Last evaluated: 2019-10-01. Review status: criteria provided, single submitter. Criteria: ACMG Guidelines, 2015. Collection method: clinical testing. Allele origin: germline.

Literature cited by the submitters: PubMed 17078022 (cited by Labcorp Genetics (formerly Invitae), Labcorp); PubMed 7695699 (cited by Labcorp Genetics (formerly Invitae), Labcorp); PubMed 8218237 (cited by Labcorp Genetics (formerly Invitae), Labcorp); PubMed 19344236 (cited by Labcorp Genetics (formerly Invitae), Labcorp); PubMed 9016532 (cited by Labcorp Genetics (formerly Invitae), Labcorp); PubMed 28810924 (cited by Labcorp Genetics (formerly Invitae), Labcorp).

NM_000089.4(COL1A2):c.866G>C (p.Gly289Ala)

Gene: COL1A2 (collagen type I alpha 2 chain; plus strand). Cytogenetic location: 7q21.3.
Variant type: single nucleotide variant.
Coding change: c.866G>C on transcript NM_000089.4 (MANE Select); coding-DNA position 866, G replaced by C.
Protein change: p.Gly289Ala; replaces glycine 289 with alanine.
Molecular consequence: missense variant.
Genome position (GRCh38, 1-based): chr7:94,409,395, G>C. VCF-style: chr7-94409395-G-C. GRCh37 (hg19) VCF-style: chr7-94038707-G-C.
Other names: short protein forms G289A.
Identifiers: ClinVar variation 1702001 (VCV001702001.5), dbSNP rs67031201, ClinGen allele CA162919710.